The following is an entry in ClinVar:

ClinVar aggregate classification (germline): Uncertain significance. Review status: criteria provided, multiple submitters, no conflicts (2 of 4 stars). 2 submissions from 2 submitters: Uncertain significance (2). Last evaluated 2021-11-11.

Conditions:
Primary ciliary dyskinesia. Also called: Ciliary dyskinesia. Identifiers: Orphanet 244, MedGen C0008780, MONDO:0016575, HP:0012265.

Allele frequency attached by ClinVar (database versions not stated): TOPMed 0.00002.
gnomAD v4.1: 3 of 1,608,500 alleles (0.00019%); highest among the groups gnomAD compares: Admixed American, 0.005%; no homozygotes.

Submissions (2):

Labcorp Genetics (formerly Invitae), Labcorp
Classification: Uncertain significance for Primary ciliary dyskinesia. Last evaluated: 2021-11-11. Review status: criteria provided, single submitter. Criteria: Invitae Variant Classification Sherloc (09022015). Collection method: clinical testing. Allele origin: germline.
Comment: This sequence change falls in intron 7 of the DNAAF3 gene. It does not directly change the encoded amino acid sequence of the DNAAF3 protein. It affects a nucleotide within the consensus splice site. This variant is present in population databases (rs376485677, gnomAD 0.009%). This variant has not been reported in the literature in individuals affected with DNAAF3-related conditions. ClinVar contains an entry for this variant (Variation ID: 218559). Variants that disrupt the consensus splice site are a relatively common cause of aberrant splicing (PMID: 17576681, 9536098). Algorithms developed to predict the effect of sequence changes on RNA splicing suggest that this variant may disrupt the consensus splice site. In summary, the available evidence is currently insufficient to determine the role of this variant in disease. Therefore, it has been classified as a Variant of Uncertain Significance.

Genomic Diagnostic Laboratory, Division of Genomic Diagnostics, Children's Hospital of Philadelphia
Classification: Uncertain significance. Last evaluated: 2015-06-16. Review status: criteria provided, single submitter. Criteria: DGD Variant Analysis Guidelines. Collection method: clinical testing. Allele origin: unknown.

Literature cited by the submitters: PubMed 17576681 (cited by Labcorp Genetics (formerly Invitae), Labcorp); PubMed 9536098 (cited by Labcorp Genetics (formerly Invitae), Labcorp).

NM_001256715.2(DNAAF3):c.789+5G>C

Genes: DNAAF3 (dynein axonemal assembly factor 3; minus strand), DNAAF3-AS1 (DNAAF3 antisense RNA 1; plus strand). Cytogenetic location: 19q13.42.
Variant type: single nucleotide variant.
Coding change: c.789+5G>C on transcript NM_001256715.2 (MANE Select); 5 bases into the intron after coding-DNA position 789, G replaced by C.
Molecular consequence: intron variant.
Genome position (GRCh38, 1-based): chr19:55,161,288, C>G on the plus strand (G>C on the coding strand, the complement: DNAAF3 is on the minus strand). VCF-style: chr19-55161288-C-G. GRCh37 (hg19) VCF-style: chr19-55672656-C-G.
Other names: c.930+5G>C (NM_178837.4); c.993+5G>C (NM_001256714.1); c.627+5G>C (NM_001256716.2).
Identifiers: ClinVar variation 218559 (VCV000218559.4), dbSNP rs376485677, ClinGen allele CA249037.